The following is an entry in ClinVar:

ClinVar aggregate classification (germline): Uncertain significance. Review status: criteria provided, multiple submitters, no conflicts (2 of 4 stars). 3 submissions from 3 submitters: Uncertain significance (3). Last evaluated 2025-12-30.

Conditions:
Cardiovascular phenotype. Identifiers: MedGen CN230736.

gnomAD v4.1: 3 of 1,549,648 alleles (0.00019%); highest among the groups gnomAD compares: South Asian, 0.0024%; no homozygotes.

Submissions (3):

Labcorp Genetics (formerly Invitae), Labcorp
Classification: Uncertain significance. Last evaluated: 2025-12-30. Review status: criteria provided, single submitter. Criteria: Invitae Variant Classification Sherloc (09022015). Collection method: clinical testing. Allele origin: germline.
Comment: This sequence change replaces aspartic acid, which is acidic and polar, with glutamic acid, which is acidic and polar, at codon 71 of the LOX protein (p.Asp71Glu). This variant is present in population databases (rs747652187, gnomAD 0.004%). This variant has not been reported in the literature in individuals affected with LOX-related conditions. ClinVar contains an entry for this variant (Variation ID: 1786541). Invitae Evidence Modeling of protein sequence and biophysical properties (such as structural, functional, and spatial information, amino acid conservation, physicochemical variation, residue mobility, and thermodynamic stability) indicates that this missense variant is not expected to disrupt LOX protein function with a negative predictive value of 95%. In summary, the available evidence is currently insufficient to determine the role of this variant in disease. Therefore, it has been classified as a Variant of Uncertain Significance.

Ambry Genetics
Classification: Uncertain significance for Cardiovascular phenotype. Last evaluated: 2025-08-19. Review status: criteria provided, single submitter. Criteria: Ambry Variant Classification Scheme 2023. Collection method: clinical testing. Allele origin: germline.
Comment: The p.D71E variant (also known as c.213C>G), located in coding exon 1 of the LOX gene, results from a C to G substitution at nucleotide position 213. The aspartic acid at codon 71 is replaced by glutamic acid, an amino acid with highly similar properties. This amino acid position is conserved. In addition, this alteration is predicted to be tolerated by in silico analysis. Since supporting evidence is limited at this time, the clinical significance of this alteration remains unclear.

Blueprint Genetics
Classification: Uncertain significance. Last evaluated: 2023-06-20. Review status: criteria provided, single submitter. Criteria: ACMG Guidelines, 2015. Collection method: clinical testing. Allele origin: germline.

NM_002317.7(LOX):c.213C>G (p.Asp71Glu)

Genes: LOX (lysyl oxidase; minus strand), SRFBP1 (serum response factor binding protein 1; plus strand). Cytogenetic location: 5q23.1.
Variant type: single nucleotide variant.
Coding change: c.213C>G on transcript NM_002317.7 (MANE Select); coding-DNA position 213, C replaced by G.
Protein change: p.Asp71Glu; replaces aspartic acid 71 with glutamic acid.
Molecular consequence: missense variant.
Genome position (GRCh38, 1-based): chr5:122,077,773, G>C on the plus strand (C>G on the coding strand, the complement: LOX is on the minus strand). VCF-style: chr5-122077773-G-C. GRCh37 (hg19) VCF-style: chr5-121413468-G-C.
Other names: short protein forms D71E.
Identifiers: ClinVar variation 1786541 (VCV001786541.6), dbSNP rs747652187, ClinGen allele CA3384103.